The following is an entry in ClinVar:

NM_001348323.3(TRIP12):c.4726A>G (p.Ser1576Gly)

Gene: TRIP12 (thyroid hormone receptor interactor 12; minus strand). Cytogenetic location: 2q36.3.
Variant type: single nucleotide variant.
Coding change: c.4726A>G on transcript NM_001348323.3 (MANE Select); coding-DNA position 4726, A replaced by G.
Protein change: p.Ser1576Gly; replaces serine 1576 with glycine.
Molecular consequence: missense variant.
Genome position (GRCh38, 1-based): chr2:229,788,910, T>C on the plus strand (A>G on the coding strand, the complement: TRIP12 is on the minus strand). VCF-style: chr2-229788910-T-C. GRCh37 (hg19) VCF-style: chr2-230653626-T-C.
Other names: c.4645A>G, p.Ser1549Gly (NM_001284214.2, NM_001348315.2); c.4600A>G, p.Ser1534Gly (NM_001284215.2, NM_001348316.2); c.3691A>G, p.Ser1231Gly (NM_001284216.2); c.4585A>G, p.Ser1529Gly (NM_001348317.1, NM_001348318.2); c.4711A>G, p.Ser1571Gly (NM_001348319.1, NM_001348320.2); c.4714A>G, p.Ser1572Gly (NM_001348321.1); c.4726A>G, p.Ser1576Gly (NM_001348322.1, NM_001348324.2, NM_001348325.2 and 2 more transcripts); c.4729A>G, p.Ser1577Gly (NM_001348328.1, NM_001348329.2, NM_001348330.2); and 4 more; short protein forms S1231G, S1501G, S1502G, S1529G, S1534G, S1542G, S1549G, S1550G.
Identifiers: ClinVar variation 1698105 (VCV001698105.2), dbSNP rs2154256581, ClinGen allele CA350894226.

ClinVar aggregate classification (germline): Uncertain significance (1 of 4 stars; one submission).

gnomAD v4.1: 1 of 1,613,240 alleles (0.000062%); highest among the groups gnomAD compares: Non-Finnish European, 0.000085%; no homozygotes.

Submission:

GeneDx
Classification: Uncertain significance. Last evaluated: 2022-01-12. Review status: criteria provided, single submitter. Criteria: GeneDx Variant Classification Process June 2021. Collection method: clinical testing. Allele origin: germline. Affected: yes.
Comment: Has not been previously published as pathogenic or benign to our knowledge; Not observed at significant frequency in large population cohorts (gnomAD); In silico analysis supports that this missense variant does not alter protein structure/function